The following is an entry in ClinVar:

ClinVar aggregate classification (germline): Conflicting classifications of pathogenicity. Review status: criteria provided, conflicting classifications (1 of 4 stars). 7 submissions from 7 submitters: Uncertain significance (5); Likely benign (2). Last evaluated 2026-01-04.

Conditions:
ADGRV1-related disorder. Also called: ADGRV1-related disorders; ADGRV1-related condition.
Usher syndrome type 2C. Also called: USHER SYNDROME, TYPE IIC; Usher syndrome, type 2B. Identifiers: Orphanet 231178, Orphanet 886, MedGen C2931213, MONDO:0011558, OMIM 605472.

Allele frequency attached by ClinVar (database versions not stated): gnomAD exomes 0.00004 and 0.00008; gnomAD 0.00011 and 0.00013; ExAC 0.00012; TOPMed 0.00025; 1000 Genomes Project 30x 0.00047; ESP Exome Variant Server 0.00049; 1000 Genomes Project 0.00060.
gnomAD v4.1: 84 of 1,613,696 alleles (0.0052%); highest among the groups gnomAD compares: Middle Eastern, 0.15%; 2 homozygotes.

Submissions (7):

Labcorp Genetics (formerly Invitae), Labcorp
Classification: Likely benign. Last evaluated: 2026-01-04. Review status: criteria provided, single submitter. Criteria: Invitae Variant Classification Sherloc (09022015). Collection method: clinical testing. Allele origin: germline.

GeneDx
Classification: Uncertain significance. Last evaluated: 2025-08-21. Review status: criteria provided, single submitter. Criteria: GeneDx Variant Classification Process June 2021. Collection method: clinical testing. Allele origin: germline. Affected: yes.
Comment: Identified in a cohort of Saudi Arabian individuals from consanguineous parents in published literature (PMID: 24367280) but additional evidence is not available; In silico analysis suggests that this missense variant does not alter protein structure/function; This variant is associated with the following publications: (PMID: 24367280)

PreventionGenetics, part of Exact Sciences
Classification: Uncertain significance for ADGRV1-related condition. Last evaluated: 2025-03-19. Review status: criteria provided, single submitter. Criteria: ACMG Guidelines, 2015. Collection method: clinical testing. Allele origin: germline.
Comment: The ADGRV1 c.5264C>T variant is predicted to result in the amino acid substitution p.Ala1755Val. To our knowledge, this variant has not been reported in the literature. This variant is reported in 0.037% of alleles in individuals of African descent in gnomAD. The gnomAD co-occurrence algorithm predicts that this variant and the c.1411G>C (p.Val471Leu) variant are part of the same haplotype. At this time, the clinical significance of this variant is uncertain due to the absence of conclusive functional and genetic evidence.

Blueprint Genetics
Classification: Likely benign. Last evaluated: 2024-08-29. Review status: criteria provided, single submitter. Criteria: ACMG Guidelines, 2015. Collection method: clinical testing. Allele origin: germline.

Women's Health and Genetics/Laboratory Corporation of America, LabCorp
Classification: Uncertain significance. Last evaluated: 2024-03-06. Review status: criteria provided, single submitter. Criteria: LabCorp Variant Classification Summary - May 2015. Collection method: clinical testing. Allele origin: germline.
Comment: Variant summary: ADGRV1 c.5264C>T (p.Ala1755Val) results in a non-conservative amino acid change located in the Na-Ca exchanger/integrin-beta domain (IPR003644) of the encoded protein sequence. Four of five in-silico tools predict a benign effect of the variant on protein function. The variant allele was found at a frequency of 7.6e-05 in 248840 control chromosomes. To our knowledge, no occurrence of c.5264C>T in individuals affected with ADGRV1-Related Disorders and no experimental evidence demonstrating its impact on protein function have been reported. ClinVar contains an entry for this variant (Variation ID: 282743). Based on the evidence outlined above, the variant was classified as uncertain significance.

Baylor Genetics
Classification: Uncertain significance for Usher syndrome type 2C. Last evaluated: 2019-11-07. Review status: criteria provided, single submitter. Criteria: ACMG Guidelines, 2015. Collection method: clinical testing. Allele origin: unknown. Affected: yes.
Comment: This variant was determined to be of uncertain significance according to ACMG Guidelines, 2015 [PMID:25741868].

Eurofins Ntd Llc (ga)
Classification: Uncertain significance. Last evaluated: 2017-07-14. Review status: criteria provided, single submitter. Criteria: EGL Classification Definitions 2015. Collection method: clinical testing. Allele origin: germline. Observed: 2 variant alleles, 2 heterozygotes.

NM_032119.4(ADGRV1):c.5264C>T (p.Ala1755Val)

Gene: ADGRV1 (adhesion G protein-coupled receptor V1; plus strand). Cytogenetic location: 5q14.3.
Variant type: single nucleotide variant.
Coding change: c.5264C>T on transcript NM_032119.4 (MANE Select); coding-DNA position 5264, C replaced by T.
Protein change: p.Ala1755Val; replaces alanine 1755 with valine.
Molecular consequence: missense variant. On other transcripts: non-coding transcript variant (1).
Genome position (GRCh38, 1-based): chr5:90,675,396, C>T. VCF-style: chr5-90675396-C-T. GRCh37 (hg19) VCF-style: chr5-89971213-C-T.
Other names: short protein forms A1755V.
Identifiers: ClinVar variation 282743 (VCV000282743.20), dbSNP rs185971062, ClinGen allele CA3339524.